The following is an entry in ClinVar:

ClinVar aggregate classification (germline): Uncertain significance. Review status: criteria provided, multiple submitters, no conflicts (2 of 4 stars). 4 submissions from 4 submitters: Uncertain significance (4). Last evaluated 2026-07-31.

Conditions:
Retinal dystrophy. Also called: Inherited retinal dystrophy. Identifiers: Orphanet 71862, MedGen C0854723, MeSH D058499, MONDO:0019118, HP:0000556.
Inborn genetic diseases. Identifiers: MedGen C0950123, MeSH D030342.
SNRNP200-related disorder. Also called: SNRNP200-related condition.

Allele frequency attached by ClinVar (database versions not stated): gnomAD exomes 0.00001; TOPMed 0.00002; gnomAD 0.00003.
gnomAD v4.1: 23 of 1,613,930 alleles (0.0014%); highest among the groups gnomAD compares: South Asian, 0.0033%; no homozygotes.

Submissions (4):

PreventionGenetics, part of Exact Sciences
Classification: Uncertain significance for SNRNP200-related condition. Last evaluated: 2026-07-31. Review status: criteria provided, single submitter. Criteria: ACMG Guidelines, 2015. Collection method: clinical testing. Allele origin: germline.
Comment: The SNRNP200 c.709C>T variant is predicted to result in the amino acid substitution p.Arg237Cys. To our knowledge, this variant has not been reported in the literature. This variant is reported in 0.0040% of alleles in individuals of African descent in gnomAD. At this time, the clinical significance of this variant is uncertain due to the absence of conclusive functional and genetic evidence.

Dept Of Ophthalmology, Nagoya University
Classification: Uncertain significance for Retinal dystrophy. Last evaluated: 2023-10-01. Review status: criteria provided, single submitter. Criteria: Submitter's publication. Collection method: research. Allele origin: germline. Affected: yes.

Ambry Genetics
Classification: Uncertain significance for Inborn genetic diseases. Last evaluated: 2023-05-03. Review status: criteria provided, single submitter. Criteria: Ambry Variant Classification Scheme 2023. Collection method: clinical testing. Allele origin: germline.

Blueprint Genetics
Classification: Uncertain significance. Last evaluated: 2022-10-13. Review status: criteria provided, single submitter. Criteria: ACMG Guidelines, 2015. Collection method: clinical testing. Allele origin: germline.

NM_014014.5(SNRNP200):c.709C>T (p.Arg237Cys)

Gene: SNRNP200 (small nuclear ribonucleoprotein U5 subunit 200; minus strand). Cytogenetic location: 2q11.2.
Variant type: single nucleotide variant.
Coding change: c.709C>T on transcript NM_014014.5 (MANE Select); coding-DNA position 709, C replaced by T.
Protein change: p.Arg237Cys; replaces arginine 237 with cysteine.
Molecular consequence: missense variant.
Genome position (GRCh38, 1-based): chr2:96,299,349, G>A on the plus strand (C>T on the coding strand, the complement: SNRNP200 is on the minus strand). VCF-style: chr2-96299349-G-A. GRCh37 (hg19) VCF-style: chr2-96965087-G-A.
Other names: short protein forms R237C.
Identifiers: ClinVar variation 2542728 (VCV002542728.5), dbSNP rs1486448634, ClinGen allele CA347685842.